The following is an entry in ClinVar:

ClinVar aggregate classification (germline): Pathogenic/Likely pathogenic. Review status: criteria provided, multiple submitters, no conflicts (2 of 4 stars). 3 submissions from 3 submitters: Pathogenic (2); Likely pathogenic (1). Last evaluated 2021-07-15.

Conditions:
Cornelia de Lange syndrome 1 (CDLS1). Also called: Brachmann de Lange syndrome; NIPBL-Related Cornelia de Lange Syndrome; TYPUS DEGENERATIVUS AMSTELODAMENSIS. Identifiers: Orphanet 199, MedGen C4551851, MONDO:0007387, OMIM 122470.

Submissions (3):

Genome-Nilou Lab
Classification: Pathogenic for Cornelia de Lange syndrome 1. Last evaluated: 2021-07-15. Review status: criteria provided, single submitter. Criteria: ACMG Guidelines, 2015. Collection method: clinical testing. Allele origin: germline. Affected: no.

Center for Molecular Medicine, Children’s Hospital of Fudan University
Classification: Likely pathogenic for Cornelia de Lange syndrome 1. Last evaluated: 2019-05-10. Review status: criteria provided, single submitter. Criteria: ACMG Guidelines, 2015. Collection method: clinical testing. Allele origin: de novo. Affected: yes.

GeneDx
Classification: Pathogenic. Last evaluated: 2019-03-13. Review status: criteria provided, single submitter. Criteria: GeneDx Variant Classification (06012015). Collection method: clinical testing. Allele origin: germline. Affected: yes.
Comment: he Q554X nonsense variant in the NIPBL gene is predicted to cause loss of normal protein function either through protein truncation or nonsense-mediated mRNA decay. The Q554X variant is not observed in large population cohorts (Lek et al., 2016). Although this pathogenic variant has not been reported previously to our knowledge, it is classified as pathogenic.

NM_133433.4(NIPBL):c.1660C>T (p.Gln554Ter)

Gene: NIPBL (NIPBL cohesin loading factor; plus strand). Cytogenetic location: 5p13.2.
Variant type: single nucleotide variant.
Coding change: c.1660C>T on transcript NM_133433.4 (MANE Select); coding-DNA position 1660, C replaced by T.
Protein change: p.Gln554Ter; replaces glutamine 554 with a stop codon.
Molecular consequence: nonsense.
Genome position (GRCh38, 1-based): chr5:36,984,840, C>T. VCF-style: chr5-36984840-C-T. GRCh37 (hg19) VCF-style: chr5-36984942-C-T.
Other names: c.1660C>T, p.Gln554Ter (NM_015384.5); short protein forms Q554*.
Identifiers: ClinVar variation 817551 (VCV000817551.6), dbSNP rs1580394197, ClinGen allele CA359493686.
Genomic context (GRCh38, chr5:36,984,840, plus strand): 5'-GGGTCAAGGCCAGCATTAATGGTTAGCATTGATCTTCATCAGGCAGGAAGAGTGGACTCT[C>T]AGGCTTCTATAACTCAGGATTCAGACTCCATAAAAAAGCCTGAAGAAATCAAACAATGTA-3'